The following is an entry in ClinVar:

ClinVar aggregate classification (germline): Uncertain significance (1 of 4 stars; one submission).

Conditions:
Angelman syndrome (AS). Also called: HAPPY PUPPET SYNDROME. Identifiers: Orphanet 72, MedGen C0162635, MONDO:0007113, OMIM 105830. Disease mechanism: loss of function. Inheritance: imprinting disorder, AS is caused by disruption of maternally imprinted UBE3A located within the 15q11.2-q13 Angelman syndrome/Prader-Willi syndrome (AS/PWS) region..

Submission:

Labcorp Genetics (formerly Invitae), Labcorp
Classification: Uncertain significance for Angelman syndrome. Last evaluated: 2025-03-16. Review status: criteria provided, single submitter. Criteria: Invitae Variant Classification Sherloc (09022015). Collection method: clinical testing. Allele origin: germline.
Comment: This sequence change replaces aspartic acid, which is acidic and polar, with valine, which is neutral and non-polar, at codon 208 of the UBE3A protein (p.Asp208Val). This variant is not present in population databases (gnomAD no frequency). This variant has not been reported in the literature in individuals affected with UBE3A-related conditions. Invitae Evidence Modeling of protein sequence and biophysical properties (such as structural, functional, and spatial information, amino acid conservation, physicochemical variation, residue mobility, and thermodynamic stability) indicates that this missense variant is not expected to disrupt UBE3A protein function with a negative predictive value of 80%. In summary, the available evidence is currently insufficient to determine the role of this variant in disease. Therefore, it has been classified as a Variant of Uncertain Significance.

NM_130839.5(UBE3A):c.683A>T (p.Asp228Val)

Genes: SNHG14 (small nucleolar RNA host gene 14; plus strand), UBE3A (ubiquitin protein ligase E3A; minus strand). Cytogenetic location: 15q11.2.
Variant type: single nucleotide variant.
Coding change: c.683A>T on transcript NM_130839.5 (MANE Select); coding-DNA position 683, A replaced by T.
Protein change: p.Asp228Val; replaces aspartic acid 228 with valine.
Molecular consequence: missense variant. On other transcripts: non-coding transcript variant (1), intron variant (2).
Genome position (GRCh38, 1-based): chr15:25,371,491, T>A on the plus strand (A>T on the coding strand, the complement: UBE3A is on the minus strand). VCF-style: chr15-25371491-T-A. GRCh37 (hg19) VCF-style: chr15-25616638-T-A.
Other names: c.683A>T, p.Asp228Val (NM_001354538.2, NM_001354545.2, NM_001354505.1); c.623A>T, p.Asp208Val (NM_001354539.2, NM_001354540.2, NM_001354541.2 and 17 more transcripts); c.506A>T, p.Asp169Val (NM_001354546.2); c.692A>T, p.Asp231Val (NM_000462.5); c.301+3974A>T (NM_001354551.2); c.361+3974A>T (NM_001354550.2); short protein forms D169V, D228V, D208V, D231V.
Identifiers: ClinVar variation 4767332 (VCV004767332.1).